The following is an entry in ClinVar:

NM_000384.3(APOB):c.1706C>T (p.Pro569Leu)

Gene: APOB (apolipoprotein B; minus strand). Cytogenetic location: 2p24.1.
Variant type: single nucleotide variant.
Coding change: c.1706C>T on transcript NM_000384.3 (MANE Select); coding-DNA position 1706, C replaced by T.
Protein change: p.Pro569Leu; replaces proline 569 with leucine.
Molecular consequence: missense variant.
Genome position (GRCh38, 1-based): chr2:21,028,450, G>A on the plus strand (C>T on the coding strand, the complement: APOB is on the minus strand). VCF-style: chr2-21028450-G-A. GRCh37 (hg19) VCF-style: chr2-21251322-G-A.
Other names: short protein forms P569L.
Identifiers: ClinVar variation 4862727 (VCV004862727.1).

ClinVar aggregate classification (germline): Uncertain significance (1 of 4 stars; one submission).

Conditions:
Cardiovascular phenotype. Identifiers: MedGen CN230736.

Submission:

Ambry Genetics
Classification: Uncertain significance for Cardiovascular phenotype. Last evaluated: 2026-05-28. Review status: criteria provided, single submitter. Criteria: Ambry Variant Classification Scheme 2023. Collection method: clinical testing. Allele origin: germline.
Comment: The p.P569L variant (also known as c.1706C>T), located in coding exon 13 of the APOB gene, results from a C to T substitution at nucleotide position 1706. The proline at codon 569 is replaced by leucine, an amino acid with similar properties. This amino acid position is conserved. In addition, the in silico prediction for this alteration is inconclusive. Based on the available evidence, the clinical significance of this variant remains unclear.